The following is an entry in ClinVar:

NM_003070.5(SMARCA2):c.2936G>A (p.Arg979His)

Gene: SMARCA2 (SWI/SNF related BAF chromatin remodeling complex subunit ATPase 2; plus strand). Cytogenetic location: 9p24.3.
Variant type: single nucleotide variant.
Coding change: c.2936G>A on transcript NM_003070.5 (MANE Select); coding-DNA position 2936, G replaced by A.
Protein change: p.Arg979His; replaces arginine 979 with histidine.
Molecular consequence: missense variant.
Genome position (GRCh38, 1-based): chr9:2,096,709, G>A. VCF-style: chr9-2096709-G-A. GRCh37 (hg19) VCF-style: chr9-2096709-G-A.
Other names: c.2936G>A, p.Arg979His (NM_001289396.2, NM_139045.4); c.2762G>A, p.Arg921His (NM_001289397.2); short protein forms R979H, R921H.
Identifiers: ClinVar variation 5007431 (VCV005007431.2).

ClinVar aggregate classification (germline): Uncertain significance (1 of 4 stars; one submission).

Conditions:
Nicolaides-Baraitser syndrome (NCBRS). Also called: SMARCA2-Related Nicolaides-Baraitser Syndrome; Intellectual disability-sparse hair-brachydactyly syndrome. Identifiers: Orphanet 3051, MedGen C1303073, MONDO:0011053, OMIM 601358.
Blepharophimosis-impaired intellectual development syndrome. Identifiers: Orphanet 637013, MedGen C5443984, MONDO:0859139, OMIM 619293.

gnomAD v4.1: 2 of 1,613,838 alleles (0.00012%); highest among the groups gnomAD compares: Non-Finnish European, 0.00017%; no homozygotes.

Submission:

Juno Genomics, Hangzhou Juno Genomics, Inc
Classification: Uncertain significance for Blepharophimosis-impaired intellectual development syndrome; Nicolaides-Baraitser syndrome. Review status: criteria provided, single submitter. Criteria: ACMG Guidelines, 2015. Collection method: clinical testing. Allele origin: germline.
Comment: Missense variant in a gene that has a low rate of benign missense variation.;Multiple lines of computational evidence support a deleterious effect on the gene or gene product.;Absent from controls (or at extremely low frequency if recessive) in Genome Aggregation Database.